The following is an entry in ClinVar:

ClinVar aggregate classification (germline): Conflicting classifications of pathogenicity. Review status: criteria provided, conflicting classifications (1 of 4 stars). 3 submissions from 3 submitters: Uncertain significance (2); Benign (1). Last evaluated 2025-09-19.

Conditions:
Rhabdoid tumor predisposition syndrome 1 (RTPS1). Also called: Familial Posterior Fossa Brain Tumor of Infancy. Identifiers: Orphanet 231108, Orphanet 69077, MedGen C1836327, MONDO:0012252, OMIM 609322.
Hereditary cancer-predisposing syndrome. Also called: Neoplastic Syndromes, Hereditary; Tumor predisposition; Hereditary neoplastic syndrome; Hereditary Cancer Syndrome. Identifiers: Orphanet 140162, MedGen C0027672, MeSH D009386, MONDO:0015356.

Allele frequency attached by ClinVar (database versions not stated): gnomAD exomes below 0.00001 and 0.00001.

Submissions (3):

Labcorp Genetics (formerly Invitae), Labcorp
Classification: Uncertain significance. Last evaluated: 2025-09-19. Review status: criteria provided, single submitter. Criteria: Invitae Variant Classification Sherloc (09022015). Collection method: clinical testing. Allele origin: germline.
Comment: This sequence change falls in intron 6 of the SMARCB1 gene. It does not directly change the encoded amino acid sequence of the SMARCB1 protein. It affects a nucleotide within the consensus splice site. This variant is present in population databases (rs199902957, gnomAD 0.0009%). This variant has not been reported in the literature in individuals affected with SMARCB1-related conditions. ClinVar contains an entry for this variant (Variation ID: 827354). Variants that disrupt the consensus splice site are a relatively common cause of aberrant splicing (PMID: 17576681, 9536098). Algorithms developed to predict the effect of sequence changes on RNA splicing suggest that this variant is not likely to affect RNA splicing. In summary, the available evidence is currently insufficient to determine the role of this variant in disease. Therefore, it has been classified as a Variant of Uncertain Significance.

Ambry Genetics
Classification: Benign for Hereditary cancer-predisposing syndrome. Last evaluated: 2025-07-08. Review status: criteria provided, single submitter. Criteria: Ambry Variant Classification Scheme 2023. Collection method: clinical testing. Allele origin: germline.

Baylor Genetics
Classification: Uncertain significance for Rhabdoid tumor predisposition syndrome 1. Last evaluated: 2023-08-09. Review status: criteria provided, single submitter. Criteria: ACMG Guidelines, 2015. Collection method: clinical testing. Allele origin: unknown.

Literature cited by the submitters: PubMed 17576681 (cited by Labcorp Genetics (formerly Invitae), Labcorp); PubMed 9536098 (cited by Labcorp Genetics (formerly Invitae), Labcorp).

NM_003073.5(SMARCB1):c.795+5G>A

Gene: SMARCB1 (SWI/SNF related BAF chromatin remodeling complex subunit B1; plus strand). Cytogenetic location: 22q11.23.
Variant type: single nucleotide variant.
Coding change: c.795+5G>A on transcript NM_003073.5 (MANE Select); 5 bases into the intron after coding-DNA position 795, G replaced by A.
Molecular consequence: intron variant.
Genome position (GRCh38, 1-based): chr22:23,816,941, G>A. VCF-style: chr22-23816941-G-A. GRCh37 (hg19) VCF-style: chr22-24159128-G-A.
Other names: c.849+5G>A (NM_001362877.2); c.822+5G>A (NM_001317946.2); c.768+5G>A (NM_001007468.3).
Identifiers: ClinVar variation 827354 (VCV000827354.13), dbSNP rs199902957, ClinGen allele CA322568029.
Genomic context (GRCh38, chr22:23,816,941, plus strand): 5'-CCTACCCCACGGACAGCATCCTGGAGGACCAGTCAGACCAGCGCGTCATCATCAAGGTAG[G>A]TGACTTCTCACCCAGCACTGGAGCCTTCCTGGCCCTCAGGGTGGGTGTCATCATGGAGCA-3'